The following is an entry in ClinVar:

ClinVar aggregate classification (germline): Likely pathogenic, low penetrance (1 of 4 stars; one submission).

Conditions:
CFI-related disorder. Also called: CFI-related condition; CFI-related disorders. Identifiers: MedGen CN239325.

gnomAD v4.1: 20 of 1,613,990 alleles (0.0012%); highest among the groups gnomAD compares: Admixed American, 0.0017%; no homozygotes.

Submission:

Genomenon, Inc
Classification: Likely pathogenic, low penetrance for CFI-related disorder. Last evaluated: 2025-09-26. Review status: criteria provided, single submitter. Criteria: Genomenon Sequence Variant Interpretation Standards - Updated. Collection method: curation. Allele origin: germline. Affected: no.
Comment: CFI p.Gln217His (c.651G>C) is a missense variant that changes the amino acid at residue 217 from Glutamine to Histidine. To our knowledge, this variant has not been reported in patients affected with CFI-related disorders in the published literature. At least one functional study has demonstrated a substantial alteration in protein function relative to the wild-type (PMID:35531992). It is absent or not present at a significant frequency in gnomAD. In silico models agree that this variant is not damaging. In conclusion, we classify CFI p.Gln217His (c.651G>C) as a likely pathogenic, low penetrance variant.

Literature cited by the submitters: PubMed 35531992.

NM_000204.5(CFI):c.651G>C (p.Gln217His)

Gene: CFI (complement factor I; minus strand). Cytogenetic location: 4q25.
Variant type: single nucleotide variant.
Coding change: c.651G>C on transcript NM_000204.5 (MANE Select); coding-DNA position 651, G replaced by C.
Protein change: p.Gln217His; replaces glutamine 217 with histidine.
Molecular consequence: missense variant. On other transcripts: non-coding transcript variant (3).
Genome position (GRCh38, 1-based): chr4:109,761,524, C>G on the plus strand (G>C on the coding strand, the complement: CFI is on the minus strand). VCF-style: chr4-109761524-C-G. GRCh37 (hg19) VCF-style: chr4-110682680-C-G.
Other names: c.651G>C, p.Gln217His (NM_001318057.2, NM_001331035.2, NM_001375278.1 and 10 more transcripts); c.42G>C, p.Gln14His (NM_001375284.1); short protein forms Q14H, Q217H.
Identifiers: ClinVar variation 4280527 (VCV004280527.1).
Genomic context (GRCh38, chr4:109,761,524, plus strand): 5'-TAAAATAAACAACCTTCAAGGAAGGGAAAATAACAGGCAAATACTCCACCAACCTGCTTT[C>G]TGTGTATAACAAACCACATCAGCGAAATCCTGGTAACCCATAGTTCTTCTCTTAGTAAAA-3'
Protein context (NP_000195.3, residues 207-227): QDFADVVCYT[Gln217His]KADSPMDDFF